The following is an entry in ClinVar:

ClinVar aggregate classification (germline): Likely benign. Review status: criteria provided, multiple submitters, no conflicts (2 of 4 stars). 4 submissions from 4 submitters: Likely benign (4). Last evaluated 2023-03-04.

Conditions:
Aneurysm-osteoarthritis syndrome. Also called: LOEYS-DIETZ SYNDROME WITH OSTEOARTHRITIS; SMAD3-Related Loeys-Dietz Syndrome; Loeys-Dietz syndrome, type 1C; ANEURYSMS-OSTEOARTHRITIS SYNDROME. Identifiers: Orphanet 284984, MedGen C3151087, MONDO:0013426, OMIM 613795.
Familial thoracic aortic aneurysm and aortic dissection (TAAD). Also called: Thoracic aortic aneurysms and dissections. Identifiers: Orphanet 91387, MedGen C4707243, MONDO:0019625.

Allele frequency attached by ClinVar (database versions not stated): ExAC 0.00001.
gnomAD v4.1: 4 of 1,612,946 alleles (0.00025%); highest among the groups gnomAD compares: Middle Eastern, 0.02%; no homozygotes.

Submissions (4):

All of Us Research Program, National Institutes of Health
Classification: Likely benign for Aneurysm-osteoarthritis syndrome. Last evaluated: 2023-03-04. Review status: criteria provided, single submitter. Criteria: ACMG Guidelines, 2015. Collection method: clinical testing. Allele origin: germline. Inheritance: Autosomal dominant inheritance. Observed: 1 variant allele, 1 heterozygote.
Comment: This study involves interpretation of variants in research participants for the purpose of population health screening. Participant phenotype was not available at the time of variant classification. Additional details can be found in publication PMID: 35346344, PMCID: PMC8962531

Labcorp Genetics (formerly Invitae), Labcorp
Classification: Likely benign for Familial thoracic aortic aneurysm and aortic dissection. Last evaluated: 2021-10-27. Review status: criteria provided, single submitter. Criteria: Invitae Variant Classification Sherloc (09022015). Collection method: clinical testing. Allele origin: germline.

CeGaT Center for Human Genetics Tuebingen
Classification: Likely benign. Last evaluated: 2020-04-01. Review status: criteria provided, single submitter. Criteria: CeGaT Center For Human Genetics Tuebingen Variant Classification Criteria Version 2. Collection method: clinical testing. Allele origin: germline. Affected: yes. Observed: 1 variant allele.

Color Diagnostics, LLC DBA Color Health
Classification: Likely benign for Familial thoracic aortic aneurysm and aortic dissection. Last evaluated: 2018-10-17. Review status: criteria provided, single submitter. Criteria: ACMG Guidelines, 2015. Collection method: clinical testing. Allele origin: germline.

NM_005902.4(SMAD3):c.1002C>A (p.Ile334=)

Gene: SMAD3 (SMAD family member 3; plus strand). Cytogenetic location: 15q22.33.
Variant type: single nucleotide variant.
Coding change: c.1002C>A on transcript NM_005902.4 (MANE Select); coding-DNA position 1002, C replaced by A.
Protein change: p.Ile334=; no amino-acid change (isoleucine 334 retained).
Molecular consequence: synonymous variant.
Genome position (GRCh38, 1-based): chr15:67,184,857, C>A. VCF-style: chr15-67184857-C-A. GRCh37 (hg19) VCF-style: chr15-67477195-C-A.
Other names: c.687C>A, p.Ile229= (NM_001145102.2); c.870C>A, p.Ile290= (NM_001145103.2); c.417C>A, p.Ile139= (NM_001145104.2).
Identifiers: ClinVar variation 629697 (VCV000629697.47), dbSNP rs748178271, ClinGen allele CA061477.
Genomic context (GRCh38, chr15:67,184,857, plus strand): 5'-TGTCCAGTCTCCCAACTGTAACCAGCGCTATGGCTGGCACCCGGCCACCGTCTGCAAGAT[C>A]CCACCAGGTAAACGAGCCGCACAGGCACCCCTGCCTTGAGGTCCCTCTCCGAGTGCATGC-3'
Protein context (NP_005893.1, residues 324-344): YGWHPATVCK[Ile334=]PPGCNLKIFN